The following is an entry in ClinVar:

NM_003816.3(ADAM9):c.2104TTC[2] (p.Phe704del)

Gene: ADAM9 (ADAM metallopeptidase domain 9; plus strand). Cytogenetic location: 8p11.22.
Variant type: Microsatellite.
Coding change: c.2104TTC[2] on transcript NM_003816.3 (MANE Select); two copies in a row of the 3-base unit TTC starting at c.2104; the reference has three copies in a row; one copy, 3 bases deleted.
Protein change: p.Phe704del; deletes phenylalanine 704.
Molecular consequence: inframe deletion. On other transcripts: non-coding transcript variant (2).
Genome position (GRCh38, 1-based): chr8:39,090,088-39,090,090, TTC deleted; deleting any 3 consecutive bases within chr8:39,090,080-39,090,090 gives the same sequence; the position shown is the placement nearest the transcript's 3' end. VCF-style (leftmost placement, unchanged base first): chr8-39090079-GTCT-G. GRCh37 (hg19) VCF-style: chr8-38947598-GTCT-G.
Other names: short protein forms F704del.
Identifiers: ClinVar variation 1010974 (VCV001010974.3), dbSNP rs746548581, ClinGen allele CA4721805.

ClinVar aggregate classification (germline): Uncertain significance. Review status: criteria provided, multiple submitters, no conflicts (2 of 4 stars). 2 submissions from 2 submitters: Uncertain significance (2). Last evaluated 2022-09-27.

Submissions (2):

Labcorp Genetics (formerly Invitae), Labcorp
Classification: Uncertain significance. Last evaluated: 2022-09-27. Review status: criteria provided, single submitter. Criteria: Invitae Variant Classification Sherloc (09022015). Collection method: clinical testing. Allele origin: germline.
Comment: This variant, c.2110_2112del, results in the deletion of 1 amino acid(s) of the ADAM9 protein (p.Phe704del), but otherwise preserves the integrity of the reading frame. This variant is present in population databases (rs746548581, gnomAD 0.01%). This variant has not been reported in the literature in individuals affected with ADAM9-related conditions. Experimental studies and prediction algorithms are not available or were not evaluated, and the functional significance of this variant is currently unknown. In summary, the available evidence is currently insufficient to determine the role of this variant in disease. Therefore, it has been classified as a Variant of Uncertain Significance.

Blueprint Genetics
Classification: Uncertain significance. Last evaluated: 2017-08-04. Review status: criteria provided, single submitter. Criteria: ACMG Guidelines, 2015. Collection method: clinical testing. Allele origin: germline.